The following is an entry in ClinVar:

ClinVar aggregate classification (germline): Uncertain significance. Review status: criteria provided, multiple submitters, no conflicts (2 of 4 stars). 2 submissions from 2 submitters: Uncertain significance (2). Last evaluated 2024-10-25.

Allele frequency attached by ClinVar (database versions not stated): TOPMed 0.00002; ExAC 0.00007; gnomAD exomes 0.00008.
gnomAD v4.1: 20 of 1,550,598 alleles (0.0013%); highest among the groups gnomAD compares: Middle Eastern, 0.16%; no homozygotes.

Submissions (2):

Ambry Genetics
Classification: Uncertain significance. Last evaluated: 2024-10-25. Review status: criteria provided, single submitter. Criteria: Ambry Variant Classification Scheme 2023. Collection method: clinical testing. Allele origin: germline.

Labcorp Genetics (formerly Invitae), Labcorp
Classification: Uncertain significance. Last evaluated: 2024-10-14. Review status: criteria provided, single submitter. Criteria: Invitae Variant Classification Sherloc (09022015). Collection method: clinical testing. Allele origin: germline.
Comment: This sequence change replaces glutamic acid, which is acidic and polar, with lysine, which is basic and polar, at codon 60 of the ADGRA3 protein (p.Glu60Lys). This variant is present in population databases (rs770806145, gnomAD 0.02%). This variant has not been reported in the literature in individuals affected with ADGRA3-related conditions. ClinVar contains an entry for this variant (Variation ID: 1462688). An algorithm developed to predict the effect of missense changes on protein structure and function (PolyPhen-2) suggests that this variant is likely to be tolerated. In summary, the available evidence is currently insufficient to determine the role of this variant in disease. Therefore, it has been classified as a Variant of Uncertain Significance.

NM_145290.4(ADGRA3):c.178G>A (p.Glu60Lys)

Gene: ADGRA3 (adhesion G protein-coupled receptor A3; minus strand). Cytogenetic location: 4p15.2.
Variant type: single nucleotide variant.
Coding change: c.178G>A on transcript NM_145290.4 (MANE Select); coding-DNA position 178, G replaced by A.
Protein change: p.Glu60Lys; replaces glutamic acid 60 with lysine.
Molecular consequence: missense variant.
Genome position (GRCh38, 1-based): chr4:22,515,607, C>T on the plus strand (G>A on the coding strand, the complement: ADGRA3 is on the minus strand). VCF-style: chr4-22515607-C-T. GRCh37 (hg19) VCF-style: chr4-22517230-C-T.
Other names: c.178G>A (NM_145290.2); short protein forms E60K.
Identifiers: ClinVar variation 1462688 (VCV001462688.7), dbSNP rs770806145, ClinGen allele CA2874385.